The following is an entry in ClinVar:

NM_014585.6(SLC40A1):c.744G>T (p.Gln248His)

Gene: SLC40A1 (solute carrier family 40 member 1; minus strand). Cytogenetic location: 2q32.2.
Variant type: single nucleotide variant.
Coding change: c.744G>T on transcript NM_014585.6 (MANE Select); coding-DNA position 744, G replaced by T.
Protein change: p.Gln248His; replaces glutamine 248 with histidine.
Molecular consequence: missense variant.
Genome position (GRCh38, 1-based): chr2:189,565,370, C>A on the plus strand (G>T on the coding strand, the complement: SLC40A1 is on the minus strand). VCF-style: chr2-189565370-C-A. GRCh37 (hg19) VCF-style: chr2-190430096-C-A.
Other names: short protein forms Q248H.
Identifiers: ClinVar variation 333167 (VCV000333167.16), dbSNP rs11568350, ClinGen allele CA2024169.

ClinVar aggregate classification (germline): Benign/Likely benign. Review status: criteria provided, multiple submitters, no conflicts (2 of 4 stars). 3 submissions from 3 submitters: Benign (1); Likely benign (2). Last evaluated 2026-02-03.

Conditions:
Hemochromatosis type 4 (HFE4). Also called: HEMOCHROMATOSIS DUE TO DEFECT IN FERROPORTIN; HEMOCHROMATOSIS, AUTOSOMAL DOMINANT; Ferroportin disease. Identifiers: Orphanet 139491, Orphanet 647834, Orphanet 648562, MedGen C1853733, MONDO:0011631, OMIM 606069.

Allele frequency attached by ClinVar (database versions not stated): gnomAD exomes 0.00135 and 0.00378; 1000 Genomes Project 0.01318; 1000 Genomes Project 30x 0.01499; gnomAD 0.01596 and 0.01475; TOPMed 0.01680; ExAC 0.00469; ESP Exome Variant Server 0.01984.
gnomAD v4.1: 4,316 of 1,614,214 alleles (0.27%); highest among the groups gnomAD compares: African/African-American, 5.1%; 100 homozygotes.

Submissions (3):

Labcorp Genetics (formerly Invitae), Labcorp
Classification: Benign for Hemochromatosis type 4. Last evaluated: 2026-02-03. Review status: criteria provided, single submitter. Criteria: Invitae Variant Classification Sherloc (09022015). Collection method: clinical testing. Allele origin: germline.

Illumina Laboratory Services, Illumina
Classification: Likely benign for Hemochromatosis type 4. Last evaluated: 2018-02-13. Review status: criteria provided, single submitter. Criteria: ICSL Variant Classification Criteria 13 December 2019. Collection method: clinical testing. Allele origin: germline.
Comment: This variant was observed as part of a predisposition screen in an ostensibly healthy population. A literature search was performed for the gene, cDNA change, and amino acid change (where applicable). Publications were found based on this search. The evidence from the literature, in combination with allele frequency data from public databases where available, was sufficient to determine this variant is unlikely to cause disease. Therefore, this variant is classified as likely benign.

Breakthrough Genomics
Classification: Likely benign. Review status: criteria provided, single submitter. Criteria: ACMG Guidelines, 2015. Collection method: not provided. Allele origin: germline. Inheritance: Autosomal dominant inheritance. Affected: yes.

Literature cited by the submitters: PubMed 17490902 (cited by Illumina Laboratory Services, Illumina); PubMed 23065513 (cited by Illumina Laboratory Services, Illumina); PubMed 19150361 (cited by Illumina Laboratory Services, Illumina); PubMed 15692071 (cited by Illumina Laboratory Services, Illumina); PubMed 15831700 (cited by Illumina Laboratory Services, Illumina); PubMed 16440176 (cited by Illumina Laboratory Services, Illumina); PubMed 20460119 (cited by Illumina Laboratory Services, Illumina); PubMed 17276706 (cited by Illumina Laboratory Services, Illumina); PubMed 14636642 (cited by Illumina Laboratory Services, Illumina); PubMed 21231898 (cited by Illumina Laboratory Services, Illumina).